The following is an entry in ClinVar:

NM_001199267.2(DGKZ):c.2651T>G (p.Leu884Arg)

Gene: DGKZ (diacylglycerol kinase zeta; plus strand). Cytogenetic location: 11p11.2.
Variant type: single nucleotide variant.
Coding change: c.2651T>G on transcript NM_001199267.2 (MANE Select); coding-DNA position 2651, T replaced by G.
Protein change: p.Leu884Arg; replaces leucine 884 with arginine.
Molecular consequence: missense variant.
Genome position (GRCh38, 1-based): chr11:46,379,549, T>G. VCF-style: chr11-46379549-T-G. GRCh37 (hg19) VCF-style: chr11-46401099-T-G.
Other names: c.3218T>G, p.Leu1073Arg (NM_001105540.2); c.2669T>G, p.Leu890Arg (NM_001199266.2); c.2585T>G, p.Leu862Arg (NM_001199268.2); c.2654T>G, p.Leu885Arg (NM_003646.4); c.2702T>G, p.Leu901Arg (NM_201532.3); c.2666T>G, p.Leu889Arg (NM_201533.3); short protein forms L862R, L884R, L890R, L901R, L1073R, L885R, L889R.
Identifiers: ClinVar variation 2899555 (VCV002899555.3), dbSNP rs1180600517, ClinGen allele CA380228147.

ClinVar aggregate classification (germline): Uncertain significance (1 of 4 stars; one submission).

Allele frequency attached by ClinVar (database versions not stated): TOPMed below 0.00001.
gnomAD v4.1: 1 of 1,610,146 alleles (0.000062%); highest among the groups gnomAD compares: East Asian, 0.0022%; no homozygotes.

Submission:

Labcorp Genetics (formerly Invitae), Labcorp
Classification: Uncertain significance. Last evaluated: 2024-04-05. Review status: criteria provided, single submitter. Criteria: Invitae Variant Classification Sherloc (09022015). Collection method: clinical testing. Allele origin: germline.
Comment: This sequence change replaces leucine, which is neutral and non-polar, with arginine, which is basic and polar, at codon 1073 of the DGKZ protein (p.Leu1073Arg). This variant is present in population databases (no rsID available, gnomAD 0.006%). This variant has not been reported in the literature in individuals affected with DGKZ-related conditions. An algorithm developed to predict the effect of missense changes on protein structure and function (PolyPhen-2) suggests that this variant is likely to be disruptive. In summary, the available evidence is currently insufficient to determine the role of this variant in disease. Therefore, it has been classified as a Variant of Uncertain Significance.